The following is an entry in ClinVar:

ClinVar aggregate classification (germline): Uncertain significance (1 of 4 stars; one submission).

Allele frequency attached by ClinVar (database versions not stated): ExAC 0.00002; TOPMed 0.00002.
gnomAD v4.1: 8 of 1,609,988 alleles (0.0005%); highest among the groups gnomAD compares: South Asian, 0.0011%; no homozygotes.

Submission:

Labcorp Genetics (formerly Invitae), Labcorp
Classification: Uncertain significance. Last evaluated: 2022-10-08. Review status: criteria provided, single submitter. Criteria: Invitae Variant Classification Sherloc (09022015). Collection method: clinical testing. Allele origin: germline.
Comment: In summary, the available evidence is currently insufficient to determine the role of this variant in disease. Therefore, it has been classified as a Variant of Uncertain Significance. Algorithms developed to predict the effect of missense changes on protein structure and function (SIFT, PolyPhen-2, Align-GVGD) all suggest that this variant is likely to be tolerated. This variant has not been reported in the literature in individuals affected with HMCN1-related conditions. This variant is present in population databases (rs775339851, gnomAD 0.003%). This sequence change replaces asparagine, which is neutral and polar, with aspartic acid, which is acidic and polar, at codon 2227 of the HMCN1 protein (p.Asn2227Asp).

NM_031935.3(HMCN1):c.6679A>G (p.Asn2227Asp)

Gene: HMCN1 (hemicentin 1; plus strand). Cytogenetic location: 1q31.1.
Variant type: single nucleotide variant.
Coding change: c.6679A>G on transcript NM_031935.3 (MANE Select); coding-DNA position 6679, A replaced by G.
Protein change: p.Asn2227Asp; replaces asparagine 2227 with aspartic acid.
Molecular consequence: missense variant.
Genome position (GRCh38, 1-based): chr1:186,053,053, A>G. VCF-style: chr1-186053053-A-G. GRCh37 (hg19) VCF-style: chr1-186022185-A-G.
Other names: short protein forms N2227D.
Identifiers: ClinVar variation 1912612 (VCV001912612.5), dbSNP rs775339851, ClinGen allele CA1292630.